The following is an entry in ClinVar:

NM_006005.3(WFS1):c.415C>T (p.Arg139Cys)

Gene: WFS1 (wolframin ER transmembrane glycoprotein; plus strand). Cytogenetic location: 4p16.1.
Variant type: single nucleotide variant.
Coding change: c.415C>T on transcript NM_006005.3 (MANE Select); coding-DNA position 415, C replaced by T.
Protein change: p.Arg139Cys; replaces arginine 139 with cysteine.
Molecular consequence: missense variant.
Genome position (GRCh38, 1-based): chr4:6,289,086, C>T. VCF-style: chr4-6289086-C-T. GRCh37 (hg19) VCF-style: chr4-6290813-C-T.
Other names: c.415C>T, p.Arg139Cys (NM_001145853.1); short protein forms R139C.
Identifiers: ClinVar variation 1438513 (VCV001438513.30), dbSNP rs1413669857, ClinGen allele CA356171646.

ClinVar aggregate classification (germline): Uncertain significance. Review status: criteria provided, multiple submitters, no conflicts (2 of 4 stars). 3 submissions from 3 submitters: Uncertain significance (3). Last evaluated 2024-06-24.

Allele frequency attached by ClinVar (database versions not stated): gnomAD exomes below 0.00001 and 0.00001; gnomAD 0.00001.
gnomAD v4.1: 5 of 1,585,620 alleles (0.00032%); highest among the groups gnomAD compares: Admixed American, 0.0036%; no homozygotes.

Submissions (3):

Labcorp Genetics (formerly Invitae), Labcorp
Classification: Uncertain significance. Last evaluated: 2024-06-24. Review status: criteria provided, single submitter. Criteria: Invitae Variant Classification Sherloc (09022015). Collection method: clinical testing. Allele origin: germline.
Comment: This sequence change replaces arginine, which is basic and polar, with cysteine, which is neutral and slightly polar, at codon 139 of the WFS1 protein (p.Arg139Cys). The frequency data for this variant in the population databases is considered unreliable, as metrics indicate poor data quality at this position in the gnomAD database. This variant has not been reported in the literature in individuals affected with WFS1-related conditions. ClinVar contains an entry for this variant (Variation ID: 1438513). Advanced modeling of protein sequence and biophysical properties (such as structural, functional, and spatial information, amino acid conservation, physicochemical variation, residue mobility, and thermodynamic stability) has been performed at Invitae for this missense variant, however the output from this modeling did not meet the statistical confidence thresholds required to predict the impact of this variant on WFS1 protein function. In summary, the available evidence is currently insufficient to determine the role of this variant in disease. Therefore, it has been classified as a Variant of Uncertain Significance.

CeGaT Center for Human Genetics Tuebingen
Classification: Uncertain significance. Last evaluated: 2023-06-01. Review status: criteria provided, single submitter. Criteria: CeGaT Center For Human Genetics Tuebingen Variant Classification Criteria Version 2. Collection method: clinical testing. Allele origin: germline. Affected: yes. Observed: 1 variant allele.
Comment: WFS1: PM2

Blueprint Genetics
Classification: Uncertain significance. Last evaluated: 2023-02-24. Review status: criteria provided, single submitter. Criteria: ACMG Guidelines, 2015. Collection method: clinical testing. Allele origin: germline.